The following continues an entry in ClinVar:

NM_007294.4(BRCA1):c.4065_4068del (p.Asn1355fs)

ClinVar aggregate classification (germline): Pathogenic. Pathogenic (1).

Submissions 63 to 69 of 69:

Foulkes Cancer Genetics LDI, Lady Davis Institute for Medical Research
Classification: Pathogenic for Breast and/or ovarian cancer. Last evaluated: 2010-07-08. Review status: no assertion criteria provided. Collection method: clinical testing. Allele origin: germline. Study: The Canadian Open Genetics Repository (COGR). Not counted in ClinVar's aggregate classification.

Breast Cancer Information Core (BIC) (BRCA1)
Classification: Pathogenic for Breast-ovarian cancer, familial 1. Last evaluated: 2002-05-29. Review status: no assertion criteria provided. Collection method: clinical testing. Allele origin: germline, somatic, unknown. Affected: yes. Observed: 683 variant alleles. Not counted in ClinVar's aggregate classification.

OMIM
Classification: Pathogenic for BREAST-OVARIAN CANCER, FAMILIAL, SUSCEPTIBILITY TO, 1. Last evaluated: 1994-12-01. Review status: no assertion criteria provided. Collection method: literature only. Allele origin: germline. Not counted in ClinVar's aggregate classification.

Center for Precision Medicine, Meizhou People's Hospital
Classification: Pathogenic for Familial cancer of breast. Review status: no assertion criteria provided. Collection method: literature only. Allele origin: germline. Affected: yes. Not counted in ClinVar's aggregate classification.

Clinical Genetics Laboratory, Department of Pathology, Netherlands Cancer Institute
Classification: Pathogenic. Review status: no assertion criteria provided. Collection method: clinical testing. Allele origin: germline. Affected: yes. Study: VKGL Data-share Consensus. Not counted in ClinVar's aggregate classification.

Department of Pathology and Laboratory Medicine, Sinai Health System
Classification: Pathogenic for Malignant tumor of breast. Review status: no assertion criteria provided. Collection method: clinical testing. Allele origin: unknown. Affected: yes. Study: The Canadian Open Genetics Repository (COGR). Not counted in ClinVar's aggregate classification.
Comment: The BRCA1 p.Asn1355LysfsX10 variant was identified in 7 of 7698 proband chromosomes (frequency: 0.0009) from individuals or families with breast, ovarian, and prostate cancer and was not identified in 3994 control chromosomes from healthy individuals (Leongamornlert 2014, George 2013, Cao 2013, Alvarez 2017, Hoberg-Vetti 2016, Rashid 2016, Thompson 2016). The variant was also identified in the following databases: dbSNP (ID: rs80357508) as â€šÃ„ÃºWith Pathogenic alleleâ€šÃ„Ã¹, ClinVar (18x pathogenic including review by expert panel ENIGMA, 1x likely pathogenic), LOVD 3.0 (23x), UMD-LSDB (88x, causal), and the BIC Database (144x pathogenic). The variant was not identified in Cosmic, MutDB, or the Zhejiang University Database. In addition, the variant was identified by our laboratory in two individuals with breast cancer. The variant was not identified in the control databases: the 1000 Genomes Project, the NHLBI GO Exome Sequencing Project, or the Genome Aggregation Database (Feb 27, 2017). The c.4065_4068delTCAA variant is predicted to cause a frameshift, which alters the protein's amino acid sequence beginning at codon 1355 and leads to a premature stop codon at position 1364. This alteration is then predicted to result in a truncated or absent protein and loss of function. Loss of function variants of the BRCA1 gene are an established mechanism of disease in hereditary breast and ovarian cancer and is the type of variant expected to cause the disorder. In summary, based on the above information this variant meets our laboratoryâ€šÃ„Ã´s criteria to be classified as pathogenic.

Diagnostic Laboratory, Department of Genetics, University Medical Center Groningen
Classification: Pathogenic for Breast-ovarian cancer, familial, susceptibility to, 1. Review status: no assertion criteria provided. Collection method: clinical testing. Allele origin: germline. Affected: yes. Study: VKGL Data-share Consensus. Not counted in ClinVar's aggregate classification.

Literature cited by the submitters: PubMed 20104584 (cited by 8 submitters); PubMed 8571953 (cited by 3 submitters); PubMed 11802209 (cited by 4 submitters); PubMed 14757871 (cited by 4 submitters); PubMed 21559243 (cited by 5 submitters); PubMed 11157798 (cited by Variantyx, Inc.); PubMed 35908255 (cited by 3 submitters); PubMed 35918668 (cited by 4 submitters); PubMed 35409996 (cited by 3 submitters); PubMed 35220195 (cited by 3 submitters); PubMed 34657373 (cited by 3 submitters); PubMed 10699917 (cited by 3 submitters); PubMed 16455195 (cited by 5 submitters); PubMed 24504028 (cited by 3 submitters); PubMed 24556621 (cited by 7 submitters); PubMed 27553291 (cited by 5 submitters); PubMed 28724667 (cited by 5 submitters); PubMed 28831036 (cited by 5 submitters); PubMed 28993434 (cited by 5 submitters); PubMed 29339979 (cited by 4 submitters); PubMed 29470806 (cited by 6 submitters); PubMed 29752822 (cited by 6 submitters); PubMed 30078507 (cited by 5 submitters); PubMed 30825404 (cited by 6 submitters); PubMed 8531967 (cited by 5 submitters); PubMed 7894493 (cited by 6 submitters); PubMed 17018160 (cited by 4 submitters); PubMed 21324516 (cited by 5 submitters); PubMed 23175448 (cited by 5 submitters); PubMed 23633455 (cited by 6 submitters); PubMed 31853058 (cited by Color Diagnostics, LLC DBA Color Health); PubMed 33471991 (cited by Color Diagnostics, LLC DBA Color Health and All of Us Research Program, National Institutes of Health); PubMed 32295079 (cited by Quest Diagnostics Nichols Institute San Juan Capistrano and CZECANCA consortium); PubMed 26295337 (cited by Quest Diagnostics Nichols Institute San Juan Capistrano); PubMed 24549055 (cited by Quest Diagnostics Nichols Institute San Juan Capistrano and Counsyl); PubMed 23683081 (cited by 3 submitters); PubMed 21702907 (cited by 3 submitters); PubMed 12698193 (cited by Quest Diagnostics Nichols Institute San Juan Capistrano and Bioinformatics dept., Datar Cancer Genetics Limited, India); PubMed 12402332 (cited by Quest Diagnostics Nichols Institute San Juan Capistrano and Bioinformatics dept., Datar Cancer Genetics Limited, India); PubMed 9649133 (cited by Quest Diagnostics Nichols Institute San Juan Capistrano and Bioinformatics dept., Datar Cancer Genetics Limited, India); PubMed 9150148 (cited by Quest Diagnostics Nichols Institute San Juan Capistrano and Bioinformatics dept., Datar Cancer Genetics Limited, India); PubMed 7894492 (cited by Quest Diagnostics Nichols Institute San Juan Capistrano and OMIM); PubMed 23519070 (cited by Quest Diagnostics Nichols Institute San Juan Capistrano); PubMed 25085752 (cited by Quest Diagnostics Nichols Institute San Juan Capistrano); PubMed 29348823 (cited by Laboratory for Molecular Medicine, Mass General Brigham Personalized Medicine); PubMed 23569316 (cited by Mayo Clinic Laboratories, Mayo Clinic); PubMed 26786923 (cited by Mayo Clinic Laboratories, Mayo Clinic); PubMed 27082205 (cited by Mayo Clinic Laboratories, Mayo Clinic); PubMed 28123851 (cited by Mayo Clinic Laboratories, Mayo Clinic); PubMed 28692638 (cited by Mayo Clinic Laboratories, Mayo Clinic); PubMed 29088781 (cited by Mayo Clinic Laboratories, Mayo Clinic); PubMed 30014164 (cited by Mayo Clinic Laboratories, Mayo Clinic); PubMed 30093976 (cited by Mayo Clinic Laboratories, Mayo Clinic); PubMed 30982232 (cited by Mayo Clinic Laboratories, Mayo Clinic); PubMed 31372034 (cited by Mayo Clinic Laboratories, Mayo Clinic); PubMed 31451522 (cited by Mayo Clinic Laboratories, Mayo Clinic); PubMed 31454914 (cited by Mayo Clinic Laboratories, Mayo Clinic); PubMed 32438681 (cited by Mayo Clinic Laboratories, Mayo Clinic); PubMed 32733560 (cited by Mayo Clinic Laboratories, Mayo Clinic); PubMed 32959997 (cited by Mayo Clinic Laboratories, Mayo Clinic); PubMed 33067490 (cited by Mayo Clinic Laboratories, Mayo Clinic); PubMed 34046351 (cited by Mayo Clinic Laboratories, Mayo Clinic); PubMed 34721658 (cited by Mayo Clinic Laboratories, Mayo Clinic); PMC 3405339 (cited by Bioinformatics dept., Datar Cancer Genetics Limited, India); PMC 3893336 (cited by Bioinformatics dept., Datar Cancer Genetics Limited, India); PubMed 38922859 (cited by Molecular Oncology, Hospital Universitario Central de Asturias (HUCA)).